The following is an entry in ClinVar:

NM_001243925.2(MAPKAPK3):c.903C>G (p.His301Gln)

Gene: MAPKAPK3 (MAPK activated protein kinase 3; plus strand). Cytogenetic location: 3p21.2.
Variant type: single nucleotide variant.
Coding change: c.903C>G on transcript NM_001243925.2 (MANE Select); coding-DNA position 903, C replaced by G.
Protein change: p.His301Gln; replaces histidine 301 with glutamine.
Molecular consequence: missense variant.
Genome position (GRCh38, 1-based): chr3:50,646,813, C>G. VCF-style: chr3-50646813-C-G. GRCh37 (hg19) VCF-style: chr3-50684244-C-G.
Other names: c.903C>G, p.His301Gln (NM_001243926.2, NM_004635.5); short protein forms H301Q.
Identifiers: ClinVar variation 1046817 (VCV001046817.5), dbSNP rs759419783, ClinGen allele CA74628702.

ClinVar aggregate classification (germline): Uncertain significance (1 of 4 stars; one submission).

Submission:

Labcorp Genetics (formerly Invitae), Labcorp
Classification: Uncertain significance. Last evaluated: 2024-04-25. Review status: criteria provided, single submitter. Criteria: Invitae Variant Classification Sherloc (09022015). Collection method: clinical testing. Allele origin: germline.
Comment: This sequence change replaces histidine, which is basic and polar, with glutamine, which is neutral and polar, at codon 301 of the MAPKAPK3 protein (p.His301Gln). This variant is not present in population databases (gnomAD no frequency). This variant has not been reported in the literature in individuals affected with MAPKAPK3-related conditions. ClinVar contains an entry for this variant (Variation ID: 1046817). An algorithm developed to predict the effect of missense changes on protein structure and function (PolyPhen-2) suggests that this variant is likely to be tolerated. In summary, the available evidence is currently insufficient to determine the role of this variant in disease. Therefore, it has been classified as a Variant of Uncertain Significance.